The following is an entry in ClinVar:

NM_020297.4(ABCC9):c.2866+171T>A

Gene: ABCC9 (ATP binding cassette subfamily C member 9; minus strand). Cytogenetic location: 12p12.1.
Variant type: single nucleotide variant.
Coding change: c.2866+171T>A on transcript NM_020297.4 (MANE Select); 171 bases into the intron after coding-DNA position 2866, T replaced by A.
Molecular consequence: intron variant.
Genome position (GRCh38, 1-based): chr12:21,847,979, A>T on the plus strand (T>A on the coding strand, the complement: ABCC9 is on the minus strand). VCF-style: chr12-21847979-A-T. GRCh37 (hg19) VCF-style: chr12-22000913-A-T.
Other names: c.1999+171T>A (NM_001377274.1); c.2866+171T>A (NM_005691.4, NM_001377273.1).
Identifiers: ClinVar variation 675340 (VCV000675340.1), dbSNP rs71530935, ClinGen allele CA233596708.
Genomic context (GRCh38, chr12:21,847,979, plus strand): 5'-CACACATAACAACTGTAGTAAGACATATTCTGTGGAGGCCCTCAAGATGACTGTTGATGG[A>T]TTACATCCACCTTTCCTTGACTCCTATTGTTTCCATTTTCAGTATTACTTGATTTAATTT-3'

ClinVar aggregate classification (germline): Likely benign (1 of 4 stars; one submission).

Allele frequency attached by ClinVar (database versions not stated): 1000 Genomes Project 0.01178; 1000 Genomes Project 30x 0.01187; gnomAD 0.01379 and 0.01382; TOPMed 0.01445.
gnomAD v4.1: 2,173 of 152,216 alleles (1.4%); highest among the groups gnomAD compares: Middle Eastern, 5.4%; 23 homozygotes.

Submission:

GeneDx
Classification: Likely benign. Last evaluated: 2018-06-14. Review status: criteria provided, single submitter. Criteria: GeneDx Variant Classification (06012015). Collection method: clinical testing. Allele origin: germline. Affected: yes.
Comment: This variant is considered likely benign or benign based on one or more of the following criteria: it is a conservative change, it occurs at a poorly conserved position in the protein, it is predicted to be benign by multiple in silico algorithms, and/or has population frequency not consistent with disease.